The following is an entry in ClinVar:

ClinVar aggregate classification (germline): Likely pathogenic (1 of 4 stars; one submission).

Conditions:
Intellectual developmental disorder, autosomal dominant 56. Also called: MENTAL RETARDATION, AUTOSOMAL DOMINANT 56; Intellectual disability, autosomal dominant 56. Identifiers: MedGen C4693389, MONDO:0030922, OMIM 617854.

Submission:

Variantyx, Inc.
Classification: Likely pathogenic for Intellectual developmental disorder, autosomal dominant 56. Last evaluated: 2026-01-07. Review status: criteria provided, single submitter. Criteria: Variantyx Assertion Criteria 2022. Collection method: clinical testing. Allele origin: germline. Inheritance: Autosomal dominant inheritance. Affected: yes.
Comment: This is a nonsense variant in the CLTC gene (OMIM: 118955). Pathogenic variants in this gene have been associated with autosomal dominant intellectual developmental disorder 56. This variant introduces a premature termination codon in exon 29 out of 32 and is expected to result in loss of function, which is a known disease mechanism for CLTC in this disorder (PMID: 29100083, 31776469) (PVS1). This variant is absent from control populations (PM2), and it has not been reported in individuals with CLTC-related disorders in the databases available for review. Based on the current evidence, this variant is classified as likely pathogenic for autosomal dominant intellectual developmental disorder 56.

Literature cited by the submitters: PubMed 29100083; PubMed 31776469.

NM_004859.4(CLTC):c.4507G>T (p.Glu1503Ter)

Genes: CLTC (clathrin heavy chain; plus strand), LOC125177523 (Sharpr-MPRA regulatory region 12460; plus strand). Cytogenetic location: 17q23.1.
Variant type: single nucleotide variant.
Coding change: c.4507G>T on transcript NM_004859.4 (MANE Select); coding-DNA position 4507, G replaced by T.
Protein change: p.Glu1503Ter; replaces glutamic acid 1503 with a stop codon.
Molecular consequence: nonsense.
Genome position (GRCh38, 1-based): chr17:59,685,128, G>T. VCF-style: chr17-59685128-G-T. GRCh37 (hg19) VCF-style: chr17-57762489-G-T.
Other names: c.4519G>T, p.Glu1507Ter (NM_001288653.2); short protein forms E1503*, E1507*.
Identifiers: ClinVar variation 4850706 (VCV004850706.1).